The following is an entry in ClinVar:

NM_001267550.2(TTN):c.67952_67955del (p.Ile22651fs)

Genes: TTN-AS1 (TTN antisense RNA 1; plus strand), TTN (titin; minus strand), LOC126806423 (CDK7 strongly-dependent group 2 enhancer GRCh37_chr2:179443309-179444508; plus strand). Cytogenetic location: 2q31.2.
Variant type: Deletion.
Coding change: c.67952_67955del on transcript NM_001267550.2 (MANE Select); coding-DNA positions 67952 to 67955, 4 bases deleted (TCAA; older notation c.67952_67955delTCAA).
Protein change: p.Ile22651fs; shifts the reading frame from isoleucine 22651.
Molecular consequence: frameshift variant.
Genome position (GRCh38, 1-based): chr2:178,579,075-178,579,078, TTGA deleted on the plus strand (TCAA on the coding strand, the reverse complement: TTN is on the minus strand); deleting any 4 consecutive bases within chr2:178,579,075-178,579,081 gives the same sequence; the c. name uses the placement nearest the transcript's 3' end. VCF-style (leftmost placement, unchanged base first): chr2-178579074-TTTGA-T. GRCh37 (hg19) VCF-style: chr2-179443801-TTTGA-T.
Other names: c.63029_63032del, p.Ile21010fs (NM_001256850.1); c.40757_40760del, p.Ile13586fs (NM_003319.4); c.60248_60251del, p.Ile20083fs (NM_133378.4); c.41132_41135del, p.Ile13711fs (NM_133432.3); c.41333_41336del, p.Ile13778fs (NM_133437.4); short protein forms I13586fs, I13711fs, I13778fs, I20083fs, I21010fs, I22651fs.
Identifiers: ClinVar variation 3760247 (VCV003760247.3), dbSNP rs2047099006.

ClinVar aggregate classification (germline): Likely pathogenic. Review status: criteria provided, multiple submitters, no conflicts (2 of 4 stars). 2 submissions from 2 submitters: Likely pathogenic (2). Last evaluated 2025-04-29.

Conditions:
Cardiovascular phenotype. Identifiers: MedGen CN230736.
Dilated cardiomyopathy 1G (CMD1G). Identifiers: Orphanet 154, MedGen C1858763, MONDO:0011400, OMIM 604145.
Autosomal recessive limb-girdle muscular dystrophy type 2J (LGMDR10). Also called: Limb-girdle muscular dystrophy, type 2J; MUSCULAR DYSTROPHY, LIMB-GIRDLE, AUTOSOMAL RECESSIVE 10. Identifiers: Orphanet 140922, MedGen C1837342, MONDO:0012127, OMIM 608807.

Submissions (2):

Labcorp Genetics (formerly Invitae), Labcorp
Classification: Likely pathogenic for Dilated cardiomyopathy 1G; Autosomal recessive limb-girdle muscular dystrophy type 2J. Last evaluated: 2025-04-29. Review status: criteria provided, single submitter. Criteria: Invitae Variant Classification Sherloc (09022015). Collection method: clinical testing. Allele origin: germline.
Comment: This sequence change creates a premature translational stop signal (p.Ile22651Asnfs*10) in the TTN gene. While this is not anticipated to result in nonsense mediated decay, it is expected to create a truncated TTN protein. This variant is not present in population databases (gnomAD no frequency). This variant has not been reported in the literature in individuals affected with TTN-related conditions. ClinVar contains an entry for this variant (Variation ID: 3760247). This variant is located in the A band of TTN (PMID: 25589632). Truncating variants in this region are significantly overrepresented in patients affected with dilated cardiomyopathy (PMID: 25589632). Truncating variants in this region have also been reported in individuals affected with autosomal recessive centronuclear myopathy (PMID: 23975875). In summary, the currently available evidence indicates that the variant is pathogenic, but additional data are needed to prove that conclusively. Therefore, this variant has been classified as Likely Pathogenic.

Molecular Diagnostic Laboratory for Inherited Cardiovascular Disease, Montreal Heart Institute
Classification: Likely pathogenic for Cardiovascular phenotype. Last evaluated: 2024-11-13. Review status: criteria provided, single submitter. Criteria: ACMG Guidelines, 2015. Collection method: clinical testing. Allele origin: germline. Affected: yes.
Comment: PVS1, PM2

Literature cited by the submitters: PubMed 25589632 (cited by Labcorp Genetics (formerly Invitae), Labcorp); PubMed 23975875 (cited by Labcorp Genetics (formerly Invitae), Labcorp).